The following is an entry in ClinVar:

NM_004304.5(ALK):c.4687A>G (p.Thr1563Ala)

Gene: ALK (ALK receptor tyrosine kinase; minus strand). Cytogenetic location: 2p23.2.
Variant type: single nucleotide variant.
Coding change: c.4687A>G on transcript NM_004304.5 (MANE Select); coding-DNA position 4687, A replaced by G.
Protein change: p.Thr1563Ala; replaces threonine 1563 with alanine.
Molecular consequence: missense variant.
Genome position (GRCh38, 1-based): chr2:29,193,400, T>C on the plus strand (A>G on the coding strand, the complement: ALK is on the minus strand). VCF-style: chr2-29193400-T-C. GRCh37 (hg19) VCF-style: chr2-29416266-T-C.
Other names: c.1483A>G, p.Thr495Ala (NM_001353765.2); short protein forms T495A, T1563A.
Identifiers: ClinVar variation 861044 (VCV000861044.9), dbSNP rs1668927499, ClinGen allele CA346460458.

ClinVar aggregate classification (germline): Uncertain significance (1 of 4 stars; one submission).

Conditions:
Neuroblastoma, susceptibility to, 3. Also called: ALK-Related Neuroblastic Tumor Susceptibility. Identifiers: Orphanet 635, MedGen C2751681, MONDO:0013083, OMIM 613014.

Submission:

Labcorp Genetics (formerly Invitae), Labcorp
Classification: Uncertain significance for Neuroblastoma, susceptibility to, 3. Last evaluated: 2019-01-11. Review status: criteria provided, single submitter. Criteria: Invitae Variant Classification Sherloc (09022015). Collection method: clinical testing. Allele origin: germline.
Comment: In summary, the available evidence is currently insufficient to determine the role of this variant in disease. Therefore, it has been classified as a Variant of Uncertain Significance. Algorithms developed to predict the effect of missense changes on protein structure and function are either unavailable or do not agree on the potential impact of this missense change (SIFT: "Deleterious"; PolyPhen-2: "Benign"; Align-GVGD: "Class C0"). This variant has not been reported in the literature in individuals with ALK-related conditions. This variant is not present in population databases (ExAC no frequency). This sequence change replaces threonine with alanine at codon 1563 of the ALK protein (p.Thr1563Ala). The threonine residue is highly conserved and there is a small physicochemical difference between threonine and alanine.